The following is an entry in ClinVar:

NM_000368.5(TSC1):c.84C>G (p.Val28=)

Gene: TSC1 (TSC complex subunit 1; minus strand). Cytogenetic location: 9q34.13.
Variant type: single nucleotide variant.
Coding change: c.84C>G on transcript NM_000368.5 (MANE Select); coding-DNA position 84, C replaced by G.
Protein change: p.Val28=; no amino-acid change (valine 28 retained).
Molecular consequence: synonymous variant. On other transcripts: 5 prime UTR variant (16), non-coding transcript variant (5), intron variant (2).
Genome position (GRCh38, 1-based): chr9:132,928,789, G>C on the plus strand (C>G on the coding strand, the complement: TSC1 is on the minus strand). VCF-style: chr9-132928789-G-C. GRCh37 (hg19) VCF-style: chr9-135804176-G-C.
Other names: c.-176C>G (NM_001362177.2, NM_001406617.1, NM_001406619.1 and 3 more transcripts); c.84C>G, p.Val28= (NM_001406592.1, NM_001406593.1, NM_001406594.1 and 21 more transcripts); c.-268C>G (NM_001406614.1); c.-405C>G (NM_001406615.1, NM_001406623.1); c.-372C>G (NM_001406616.1, NM_001406624.1); c.-794C>G (NM_001406626.1, NM_001406627.1, NM_001406628.1); c.-936C>G (NM_001406629.1); c.-1010C>G (NM_001406630.1); and 1 more.
Identifiers: ClinVar variation 4071219 (VCV004071219.1).

ClinVar aggregate classification (germline): Benign (1 of 4 stars; one submission).

Conditions:
Tuberous sclerosis 1 (TSC1). Identifiers: Orphanet 805, MedGen C1854465, MONDO:0008612, OMIM 191100.

Submission:

Myriad Genetics, Inc.
Classification: Benign for Tuberous sclerosis 1. Last evaluated: 2025-04-07. Review status: criteria provided, single submitter. Criteria: Myriad Autosomal Dominant, Autosomal Recessive and X-Linked Classification Criteria (2023). Collection method: clinical testing. Allele origin: unknown.
Comment: This variant is considered benign. This variant is a silent/synonymous amino acid change and it is not expected to impact splicing.